The following is an entry in ClinVar:

NM_000295.4(SERPINA1):c.721A>T (p.Lys241Ter)

Gene: SERPINA1 (serpin family A member 1; minus strand). Cytogenetic location: 14q32.13.
Variant type: single nucleotide variant.
Coding change: c.721A>T on transcript NM_000295.4; coding-DNA position 721, A replaced by T.
Protein change: p.Lys241Ter; replaces lysine 241 with a stop codon.
Molecular consequence: nonsense (on NM_000295.5).
Genome position (GRCh38, 1-based): chr14:94,381,067, T>A on the plus strand (A>T on the coding strand, the complement: SERPINA1 is on the minus strand). VCF-style: chr14-94381067-T-A. GRCh37 (hg19) VCF-style: chr14-94847404-T-A.
Other names: PI Q0(BELLINGHAM); K217*; SERPINA1, LYS217TER ON M1V; c.721A>T, p.Lys241Ter (NM_000295.5, NM_001002235.3, NM_001002236.3 and 8 more transcripts); short protein forms K241*.
Identifiers: ClinVar variation 17977 (VCV000017977.18), dbSNP rs199422211, ClinGen allele CA127693.

ClinVar aggregate classification (germline): Pathogenic. Review status: criteria provided, single submitter (1 of 4 stars). 7 submissions from 6 submitters: Pathogenic (1). 6 of the submissions do not count toward it. Last evaluated 2025-12-29.

Conditions:
Alpha-1-antitrypsin deficiency (A1ATD). Also called: AAT deficiency; A1AT deficiency; Alpha1-Antitrypsin Deficiency. Identifiers: Orphanet 60, MedGen C0221757, MONDO:0013282, OMIM 613490.
PI NULL(BELLINGHAM).
PI Q0(BELLINGHAM).

Allele frequency attached by ClinVar (database versions not stated): gnomAD 0.00001; gnomAD exomes 0.00002; TOPMed 0.00002; ExAC 0.00002.
gnomAD v4.1: 35 of 1,613,926 alleles (0.0022%); highest among the groups gnomAD compares: Non-Finnish European, 0.0029%; no homozygotes.

Submissions (7):

Labcorp Genetics (formerly Invitae), Labcorp
Classification: Pathogenic for Alpha-1-antitrypsin deficiency. Last evaluated: 2025-12-29. Review status: criteria provided, single submitter. Criteria: Invitae Variant Classification Sherloc (09022015). Collection method: clinical testing. Allele origin: germline.
Comment: This sequence change creates a premature translational stop signal (p.Lys241*) in the SERPINA1 gene. It is expected to result in an absent or disrupted protein product. Loss-of-function variants in SERPINA1 are known to be pathogenic (PMID: 25425243). This variant is present in population databases (rs199422211, gnomAD 0.004%). This premature translational stop signal has been observed in individuals with SERPINA1-related conditions (PMID: 3257351, 26321041). This variant is also known as p.Lys217* and "Null Bellingham". ClinVar contains an entry for this variant (Variation ID: 17977). For these reasons, this variant has been classified as Pathogenic.

OMIM
Classification: other for PI NULL(BELLINGHAM). Last evaluated: 2016-07-15. Review status: no assertion criteria provided. Collection method: literature only. Allele origin: germline. Not counted in ClinVar's aggregate classification.

OMIM
Classification: other for PI Q0(BELLINGHAM). Last evaluated: 2016-07-15. Review status: no assertion criteria provided. Collection method: literature only. Allele origin: germline. Not counted in ClinVar's aggregate classification.

Department of Laboratory Medicine and Genetics, Trillium Health Partners Credit Valley Hospital
Classification: Pathogenic for Alpha-1-antitrypsin deficiency. Last evaluated: 2014-12-08. Review status: no assertion criteria provided. Collection method: curation. Allele origin: germline. Affected: yes. Not counted in ClinVar's aggregate classification.

Counsyl
Classification: Likely pathogenic for Alpha-1-antitrypsin deficiency. Last evaluated: 2014-06-06. Review status: no assertion criteria provided. Collection method: literature only. Allele origin: unknown. Inheritance: Autosomal recessive inheritance. Not counted in ClinVar's aggregate classification.

Clinical Genetics DNA and cytogenetics Diagnostics Lab, Erasmus MC, Erasmus Medical Center
Classification: Pathogenic. Review status: no assertion criteria provided. Collection method: clinical testing. Allele origin: germline. Affected: yes. Study: VKGL Data-share Consensus. Not counted in ClinVar's aggregate classification.

Diagnostic Laboratory, Department of Genetics, University Medical Center Groningen
Classification: Pathogenic. Review status: no assertion criteria provided. Collection method: clinical testing. Allele origin: germline. Affected: yes. Study: VKGL Data-share Consensus. Not counted in ClinVar's aggregate classification.

Literature cited by the submitters: PubMed 25425243 (cited by Labcorp Genetics (formerly Invitae), Labcorp); PubMed 3257351 (cited by 3 submitters); PubMed 26321041 (cited by Labcorp Genetics (formerly Invitae), Labcorp); PubMed 18353624 (cited by Counsyl); PubMed 2642408 (cited by Counsyl); PubMed 7980208 (cited by Counsyl).